The following is an entry in ClinVar:

ClinVar aggregate classification (germline): Pathogenic (1 of 4 stars; one submission).

Conditions:
Phenylketonuria (PKU). Also called: Phenylketonuria (PKU); FOLLING DISEASE; OLIGOPHRENIA PHENYLPYRUVICA; Phenylketonurias. Identifiers: Orphanet 716, MedGen C0031485, MONDO:0009861, OMIM 261600. Disease mechanism: loss of function.

Allele frequency attached by ClinVar (database versions not stated): gnomAD 0.00001; TOPMed below 0.00001.
gnomAD v4.1: 1 of 1,613,920 alleles (0.000062%); highest among the groups gnomAD compares: Non-Finnish European, 0.000085%; no homozygotes.

Submission:

Labcorp Genetics (formerly Invitae), Labcorp
Classification: Pathogenic for Phenylketonuria. Last evaluated: 2023-04-11. Review status: criteria provided, single submitter. Criteria: Invitae Variant Classification Sherloc (09022015). Collection method: clinical testing. Allele origin: germline.
Comment: This missense change has been observed in individual(s) with phenylketonuria (PKU) (Invitae). For these reasons, this variant has been classified as Pathogenic. This variant disrupts the p.Pro279 amino acid residue in PAH. Other variant(s) that disrupt this residue have been determined to be pathogenic (PMID: 21890392). This suggests that this residue is clinically significant, and that variants that disrupt this residue are likely to be disease-causing. Advanced modeling of protein sequence and biophysical properties (such as structural, functional, and spatial information, amino acid conservation, physicochemical variation, residue mobility, and thermodynamic stability) performed at Invitae indicates that this missense variant is expected to disrupt PAH protein function. ClinVar contains an entry for this variant (Variation ID: 458081). This variant is not present in population databases (gnomAD no frequency). This sequence change replaces proline, which is neutral and non-polar, with alanine, which is neutral and non-polar, at codon 279 of the PAH protein (p.Pro279Ala).

Literature cited by the submitters: PubMed 21890392.

NM_000277.3(PAH):c.835C>G (p.Pro279Ala)

Gene: PAH (phenylalanine hydroxylase; minus strand). Cytogenetic location: 12q23.2.
Variant type: single nucleotide variant.
Coding change: c.835C>G on transcript NM_000277.3 (MANE Select); coding-DNA position 835, C replaced by G.
Protein change: p.Pro279Ala; replaces proline 279 with alanine.
Molecular consequence: missense variant.
Genome position (GRCh38, 1-based): chr12:102,852,822, G>C on the plus strand (C>G on the coding strand, the complement: PAH is on the minus strand). VCF-style: chr12-102852822-G-C. GRCh37 (hg19) VCF-style: chr12-103246600-G-C.
Other names: c.835C>G, p.Pro279Ala (NM_001354304.2); short protein forms P279A.
Identifiers: ClinVar variation 458081 (VCV000458081.14), dbSNP rs1555204441, ClinGen allele CA386294536.
Genomic context (GRCh38, chr12:102,852,822, plus strand): 5'-AAAAGATGGCGCTCATTGTGCCTGGCAACTGGTAGCTGGAGGACAGTACTCACGGTTCGG[G>C]GGTATACATGGGCTTGGATCCATGTCTGATGTACTGTGTGCAGTGGAAGACTCGGAAGGC-3'
Protein context (NP_000268.1, residues 269-289): IRHGSKPMYT[Pro279Ala]EPDICHELLG